The following is an entry in ClinVar:

ClinVar aggregate classification (germline): Likely benign. Review status: criteria provided, multiple submitters, no conflicts (2 of 4 stars). 2 submissions from 2 submitters: Likely benign (2). Last evaluated 2024-11-14.

Allele frequency attached by ClinVar (database versions not stated): 1000 Genomes Project 30x 0.00031; 1000 Genomes Project 0.00040; ExAC 0.00088; ESP Exome Variant Server 0.00092; gnomAD 0.00099.
gnomAD v4.1: 1,930 of 1,614,082 alleles (0.12%); highest among the groups gnomAD compares: Non-Finnish European, 0.15%; 2 homozygotes.

Submissions (2):

Blueprint Genetics
Classification: Likely benign. Last evaluated: 2024-11-14. Review status: criteria provided, single submitter. Criteria: ACMG Guidelines, 2015. Collection method: clinical testing. Allele origin: germline.

CeGaT Center for Human Genetics Tuebingen
Classification: Likely benign. Last evaluated: 2022-10-01. Review status: criteria provided, single submitter. Criteria: CeGaT Center For Human Genetics Tuebingen Variant Classification Criteria Version 2. Collection method: clinical testing. Allele origin: germline. Affected: yes. Observed: 1 variant allele.
Comment: PRKAG3: BP4, BP7

NM_017431.4(PRKAG3):c.939G>A (p.Pro313=)

Gene: PRKAG3 (protein kinase AMP-activated non-catalytic subunit gamma 3; minus strand). Cytogenetic location: 2q35.
Variant type: single nucleotide variant.
Coding change: c.939G>A on transcript NM_017431.4 (MANE Select); coding-DNA position 939, G replaced by A.
Protein change: p.Pro313=; no amino-acid change (proline 313 retained).
Molecular consequence: synonymous variant.
Genome position (GRCh38, 1-based): chr2:218,827,310, C>T on the plus strand (G>A on the coding strand, the complement: PRKAG3 is on the minus strand). VCF-style: chr2-218827310-C-T. GRCh37 (hg19) VCF-style: chr2-219692033-C-T.
Identifiers: ClinVar variation 2651900 (VCV002651900.25), dbSNP rs61756441, ClinGen allele CA2113177.